The following is an entry in ClinVar:

NM_000245.4(MET):c.2967A>T (p.Val989=)

Gene: MET (MET proto-oncogene, receptor tyrosine kinase; plus strand). Cytogenetic location: 7q31.2.
Variant type: single nucleotide variant.
Coding change: c.2967A>T on transcript NM_000245.4 (MANE Select); coding-DNA position 2967, A replaced by T.
Protein change: p.Val989=; no amino-acid change (valine 989 retained).
Molecular consequence: synonymous variant.
Genome position (GRCh38, 1-based): chr7:116,771,928, A>T. VCF-style: chr7-116771928-A-T. GRCh37 (hg19) VCF-style: chr7-116411982-A-T.
Other names: c.3021A>T, p.Val1007= (NM_001127500.3); c.1677A>T, p.Val559= (NM_001324402.2).
Identifiers: ClinVar variation 3773161 (VCV003773161.1).

ClinVar aggregate classification (germline): Benign (1 of 4 stars; one submission).

Conditions:
Papillary renal cell carcinoma type 1 (RCCP1). Also called: Renal adenocarcinoma; Renal cell carcinoma 1; Renal cell carcinoma, somatic; RENAL CELL CARCINOMA, PAPILLARY, 1, SOMATIC. Identifiers: Orphanet 47044, MedGen C1336839, OMIM 605074, HP:0011797.

gnomAD v4.1: 1 of 1,613,942 alleles (0.000062%); highest among the groups gnomAD compares: Admixed American, 0.0017%; no homozygotes.

Submission:

Myriad Genetics, Inc.
Classification: Benign for Papillary renal cell carcinoma type 1. Last evaluated: 2024-11-12. Review status: criteria provided, single submitter. Criteria: Myriad Autosomal Dominant, Autosomal Recessive and X-Linked Classification Criteria (2023). Collection method: clinical testing. Allele origin: unknown.
Comment: This variant is considered benign. This variant is a silent/synonymous amino acid change and it is not expected to impact splicing.